The following is an entry in ClinVar:

NM_001128840.3(CACNA1D):c.904T>A (p.Phe302Ile)

Gene: CACNA1D (calcium voltage-gated channel subunit alpha1 D; plus strand). Cytogenetic location: 3p21.1.
Variant type: single nucleotide variant.
Coding change: c.904T>A on transcript NM_001128840.3 (MANE Select); coding-DNA position 904, T replaced by A.
Protein change: p.Phe302Ile; replaces phenylalanine 302 with isoleucine.
Molecular consequence: missense variant.
Genome position (GRCh38, 1-based): chr3:53,665,797, T>A. VCF-style: chr3-53665797-T-A. GRCh37 (hg19) VCF-style: chr3-53699824-T-A.
Other names: c.904T>A, p.Phe302Ile (NM_000720.4, NM_001128839.3); short protein forms F302I.
Identifiers: ClinVar variation 3233878 (VCV003233878.2), dbSNP rs1446062560, ClinGen allele CA353383240.

ClinVar aggregate classification (germline): Uncertain significance (1 of 4 stars; one submission).

Allele frequency attached by ClinVar (database versions not stated): gnomAD exomes below 0.00001; TOPMed 0.00001.
gnomAD v4.1: 2 of 1,613,298 alleles (0.00012%); highest among the groups gnomAD compares: Non-Finnish European, 0.00017%; no homozygotes.

Submission:

Women's Health and Genetics/Laboratory Corporation of America, LabCorp
Classification: Uncertain significance. Last evaluated: 2024-03-19. Review status: criteria provided, single submitter. Criteria: LabCorp Variant Classification Summary - May 2015. Collection method: clinical testing. Allele origin: germline.
Comment: Variant summary: CACNA1D c.904T>A (p.Phe302Ile) results in a non-conservative amino acid change located in the Ion transport domain (IPR005821) of the encoded protein sequence. Four of five in-silico tools predict a damaging effect of the variant on protein function. The variant was absent in 250868 control chromosomes. The available data on variant occurrences in the general population are insufficient to allow any conclusion about variant significance. To our knowledge, no occurrence of c.904T>A in individuals affected with Sinoatrial Node Dysfunction And Deafness and no experimental evidence demonstrating its impact on protein function have been reported. No submitters have cited clinical-significance assessments for this variant to ClinVar. Based on the evidence outlined above, the variant was classified as uncertain significance.